The following is an entry in ClinVar:

ClinVar aggregate classification (germline): Uncertain significance (1 of 4 stars; one submission).

Conditions:
Hereditary cancer-predisposing syndrome. Also called: Neoplastic Syndromes, Hereditary; Tumor predisposition; Hereditary Cancer Syndrome; Hereditary neoplastic syndrome. Identifiers: Orphanet 140162, MedGen C0027672, MeSH D009386, MONDO:0015356.

Submission:

Ambry Genetics
Classification: Uncertain significance for Hereditary cancer-predisposing syndrome. Last evaluated: 2026-02-25. Review status: criteria provided, single submitter. Criteria: Ambry Variant Classification Scheme 2023. Collection method: clinical testing. Allele origin: germline.
Comment: The p.T772S variant (also known as c.2314A>T), located in coding exon 15 of the APC gene, results from an A to T substitution at nucleotide position 2314. The threonine at codon 772 is replaced by serine, an amino acid with similar properties. This amino acid position is conserved. In addition, in silico predictors for this gene do not accurately predict pathogenicity. Based on the available evidence, the clinical significance of this variant remains unclear.

NM_000038.6(APC):c.2314A>T (p.Thr772Ser)

Gene: APC (APC regulator of Wnt signaling pathway; plus strand). Cytogenetic location: 5q22.2.
Variant type: single nucleotide variant.
Coding change: c.2314A>T on transcript NM_000038.6 (MANE Select); coding-DNA position 2314, A replaced by T.
Protein change: p.Thr772Ser; replaces threonine 772 with serine.
Molecular consequence: missense variant. On other transcripts: non-coding transcript variant (2).
Genome position (GRCh38, 1-based): chr5:112,837,908, A>T. VCF-style: chr5-112837908-A-T. GRCh37 (hg19) VCF-style: chr5-112173605-A-T.
Other names: c.2314A>T, p.Thr772Ser (NM_001127510.3, NM_001354895.2, NM_001407450.1); c.2260A>T, p.Thr754Ser (NM_001127511.3); c.2368A>T, p.Thr790Ser (NM_001354896.2, NM_001407447.1, NM_001407448.1 and 1 more transcripts); c.2344A>T, p.Thr782Ser (NM_001354897.2); c.2239A>T, p.Thr747Ser (NM_001354898.2); c.2230A>T, p.Thr744Ser (NM_001354899.2); c.2191A>T, p.Thr731Ser (NM_001354900.2); c.2293A>T, p.Thr765Ser (NM_001407451.1); and 11 more; short protein forms T782S, T800S, T612S, T681S, T765S, T388S, T489S, T671S.
Identifiers: ClinVar variation 4827286 (VCV004827286.1).